The following is an entry in ClinVar:

ClinVar aggregate classification (germline): Pathogenic (1 of 4 stars; one submission).

Submission:

Labcorp Genetics (formerly Invitae), Labcorp
Classification: Pathogenic. Last evaluated: 2022-03-09. Review status: criteria provided, single submitter. Criteria: Invitae Variant Classification Sherloc (09022015). Collection method: clinical testing. Allele origin: germline.
Comment: For these reasons, this variant has been classified as Pathogenic. Algorithms developed to predict the effect of sequence changes on RNA splicing suggest that this variant may create or strengthen a splice site. This variant has not been reported in the literature in individuals affected with LRP2-related conditions. This variant is not present in population databases (gnomAD no frequency). This sequence change creates a premature translational stop signal (p.Tyr1524*) in the LRP2 gene. It is expected to result in an absent or disrupted protein product. Loss-of-function variants in LRP2 are known to be pathogenic (PMID: 17632512, 25682901).

Literature cited by the submitters: PubMed 17632512; PubMed 25682901.

NM_004525.3(LRP2):c.4572C>G (p.Tyr1524Ter)

Gene: LRP2 (LDL receptor related protein 2; minus strand). Cytogenetic location: 2q31.1.
Variant type: single nucleotide variant.
Coding change: c.4572C>G on transcript NM_004525.3 (MANE Select); coding-DNA position 4572, C replaced by G.
Protein change: p.Tyr1524Ter; replaces tyrosine 1524 with a stop codon.
Molecular consequence: nonsense.
Genome position (GRCh38, 1-based): chr2:169,237,222, G>C on the plus strand (C>G on the coding strand, the complement: LRP2 is on the minus strand). VCF-style: chr2-169237222-G-C. GRCh37 (hg19) VCF-style: chr2-170093732-G-C.
Other names: short protein forms Y1524*.
Identifiers: ClinVar variation 1352478 (VCV001352478.6), dbSNP rs2105377192, ClinGen allele CA349143500.
Genomic context (GRCh38, chr2:169,237,222, plus strand): 5'-AGTCCTGTGGCTCCCATCAATTTTGGAGACTTCAATTGTTTCCAGAGCATAGTCTGTCCA[G>C]TAAAGATTACGACCTACCCAATCTATTGCAATAGTTTCAGTCAAGATGATGCTACTGTCA-3'